The following is an entry in ClinVar:

ClinVar aggregate classification (germline): Benign (1 of 4 stars; one submission).

Conditions:
Hereditary spastic paraplegia 6 (SPG6). Also called: SPASTIC PARAPLEGIA 6, AUTOSOMAL DOMINANT. Identifiers: Orphanet 100988, MedGen C1838192, MONDO:0010878, OMIM 600363.

Allele frequency attached by ClinVar (database versions not stated): TOPMed 0.02540; 1000 Genomes Project 0.02716; 1000 Genomes Project 30x 0.02951; gnomAD 0.02303 and 0.02429.

Submission:

Illumina Laboratory Services, Illumina
Classification: Benign for Hereditary spastic paraplegia 6. Last evaluated: 2018-01-12. Review status: criteria provided, single submitter. Criteria: ICSL Variant Classification Criteria 13 December 2019. Collection method: clinical testing. Allele origin: germline.
Comment: This variant was observed in the ICSL laboratory as part of a predisposition screen in an ostensibly healthy population. It had not been previously curated by ICSL or reported in the Human Gene Mutation Database (HGMD: prior to June 1st, 2018), and was therefore a candidate for classification through an automated scoring system. Utilizing variant allele frequency, disease prevalence and penetrance estimates, and inheritance mode, an automated score was calculated to assess if this variant is too frequent to cause the disease. Based on the score and internal cut-off values, a variant classified as benign is not then subjected to further curation. The score for this variant resulted in a classification of benign for this disease.

NM_144599.5(NIPA1):c.*4734G>C

Gene: NIPA1 (NIPA magnesium transporter 1; plus strand). Cytogenetic location: 15q11.2.
Variant type: single nucleotide variant.
Coding change: c.*4734G>C on transcript NM_144599.5 (MANE Select); 4734 bases downstream of the stop codon, G replaced by C.
Molecular consequence: 3 prime UTR variant.
Genome position (GRCh38, 1-based): chr15:22,828,973, G>C. VCF-style: chr15-22828973-G-C. GRCh37 (hg19) VCF-style: chr15-23044095-C-G.
Other names: c.*4734G>C (NM_001142275.1).
Identifiers: ClinVar variation 315347 (VCV000315347.5), dbSNP rs73412685, ClinGen allele CA10645596.